The following is an entry in ClinVar:

NM_000135.4(FANCA):c.1475A>G (p.His492Arg)

Gene: FANCA (FA complementation group A; minus strand). Cytogenetic location: 16q24.3.
Variant type: single nucleotide variant.
Coding change: c.1475A>G on transcript NM_000135.4 (MANE Select); coding-DNA position 1475, A replaced by G.
Protein change: p.His492Arg; replaces histidine 492 with arginine.
Molecular consequence: missense variant.
Genome position (GRCh38, 1-based): chr16:89,783,098, T>C on the plus strand (A>G on the coding strand, the complement: FANCA is on the minus strand). VCF-style: chr16-89783098-T-C. GRCh37 (hg19) VCF-style: chr16-89849506-T-C.
Other names: c.1475A>G (LRG_495t1); c.1475A>G, p.His492Arg (NM_001286167.3); short protein forms H492R.
Identifiers: ClinVar variation 553955 (VCV000553955.6), dbSNP rs925457555, ClinGen allele CA397458290.

ClinVar aggregate classification (germline): Likely pathogenic. Review status: criteria provided, multiple submitters, no conflicts (2 of 4 stars). 4 submissions from 4 submitters: Likely pathogenic (2). 2 of the submissions do not count toward it. Last evaluated 2026-05-14.

Conditions:
Fanconi anemia complementation group A (FANCA). Also called: Fanconi anemia, group A; FANCA-Related Fanconi Anemia. Identifiers: Orphanet 84, MedGen C3469521, MONDO:0009215, OMIM 227650.
Fanconi anemia (FA). Also called: Fanconi's anemia. Identifiers: Orphanet 84, MedGen C0015625, MeSH D005199, MONDO:0019391.

Submissions (4):

Women's Health and Genetics/Laboratory Corporation of America, LabCorp
Classification: Likely pathogenic for Fanconi anemia. Last evaluated: 2026-05-14. Review status: criteria provided, single submitter. Criteria: LabCorp Variant Classification Summary - May 2015. Collection method: clinical testing. Allele origin: germline.
Comment: Variant summary: FANCA c.1475A>G (p.His492Arg) results in a non-conservative amino acid change in the encoded protein sequence. Algorithms developed to predict the effect of missense changes on protein structure and function all suggest that this variant is likely to be disruptive. The variant was absent in 251284 control chromosomes. c.1475A>G has been observed in individuals affected with Fanconi Anemia (1997, Castella_2011). These data indicate that the variant may be associated with disease. At least one publication reports experimental evidence evaluating an impact on protein function (Castella_2011). The most pronounced variant effect results in inability of mutant protein to localise to the nucleus to regulate gene transcription. The following publications have been ascertained in the context of this evaluation (PMID: 21273304, 9371798). ClinVar contains an entry for this variant (Variation ID: 553955). Based on the evidence outlined above, the variant was classified as likely pathogenic.

Baylor Genetics
Classification: Likely pathogenic for Fanconi anemia complementation group A. Last evaluated: 2022-11-16. Review status: criteria provided, single submitter. Criteria: ACMG Guidelines, 2015. Collection method: clinical testing. Allele origin: unknown.

Leiden Open Variation Database
Classification: Pathogenic for Fanconi anemia complementation group A. Last evaluated: 2020-02-28. Review status: no assertion criteria provided. Collection method: curation. Allele origin: germline. Affected: yes. Not counted in ClinVar's aggregate classification.
Comment: Curator: Arleen D. Auerbach. Submitter to LOVD: Arleen D. Auerbach.

Counsyl
Classification: Uncertain significance for Fanconi anemia complementation group A. Last evaluated: 2017-09-20. Review status: no assertion criteria provided. Collection method: clinical testing. Allele origin: unknown. Not counted in ClinVar's aggregate classification.

Literature cited by the submitters: PubMed 21273304 (cited by Women's Health and Genetics/Laboratory Corporation of America, LabCorp and Counsyl); PubMed 9371798 (cited by Women's Health and Genetics/Laboratory Corporation of America, LabCorp and Counsyl); PubMed 12444097 (cited by Leiden Open Variation Database and Counsyl); PubMed 17327415 (cited by Counsyl); PubMed 16720839 (cited by Counsyl).